The following is an entry in ClinVar:

ClinVar aggregate classification (germline): Conflicting classifications of pathogenicity. Review status: criteria provided, conflicting classifications (1 of 4 stars). 6 submissions from 6 submitters: Uncertain significance (5); Benign (1). Last evaluated 2025-12-27.

Conditions:
Spastic paraplegia. Identifiers: MedGen C0037772, HP:0001258.
Charlevoix-Saguenay spastic ataxia (SACS). Also called: Spastic ataxia of Charlevoix-Saguenay; SPASTIC ATAXIA 6, AUTOSOMAL RECESSIVE; AUTOSOMAL RECESSIVE SPASTIC ATAXIA OF CHARLEVOIX-SAGUENAY. Identifiers: Orphanet 98, MedGen C1849140, MONDO:0010041, OMIM 270550.
Inborn genetic diseases. Identifiers: MedGen C0950123, MeSH D030342.

Allele frequency attached by ClinVar (database versions not stated): gnomAD 0.00001; ExAC 0.00002; gnomAD exomes 0.00002 and 0.00004; TOPMed 0.00002.
gnomAD v4.1: 40 of 1,613,300 alleles (0.0025%); highest among the groups gnomAD compares: Middle Eastern, 0.016%; no homozygotes.

Submissions (6):

Labcorp Genetics (formerly Invitae), Labcorp
Classification: Benign for Spastic paraplegia. Last evaluated: 2025-12-27. Review status: criteria provided, single submitter. Criteria: Invitae Variant Classification Sherloc (09022015). Collection method: clinical testing. Allele origin: germline.

Ambry Genetics
Classification: Uncertain significance for Inborn genetic diseases. Last evaluated: 2025-09-11. Review status: criteria provided, single submitter. Criteria: Ambry Variant Classification Scheme 2023. Collection method: clinical testing. Allele origin: germline.

GeneDx
Classification: Uncertain significance. Last evaluated: 2025-06-11. Review status: criteria provided, single submitter. Criteria: GeneDx Variant Classification Process June 2021. Collection method: clinical testing. Allele origin: germline.
Comment: In silico analysis supports that this missense variant does not alter protein structure/function; Has not been previously published as pathogenic or benign to our knowledge

Genome-Nilou Lab
Classification: Uncertain significance for Charlevoix-Saguenay spastic ataxia. Last evaluated: 2021-09-05. Review status: criteria provided, single submitter. Criteria: ACMG Guidelines, 2015. Collection method: clinical testing. Allele origin: germline. Affected: no.

Illumina Laboratory Services, Illumina
Classification: Uncertain significance for Charlevoix-Saguenay spastic ataxia. Last evaluated: 2018-01-12. Review status: criteria provided, single submitter. Criteria: ICSL Variant Classification Criteria 13 December 2019. Collection method: clinical testing. Allele origin: germline.

Genetic Services Laboratory, University of Chicago
Classification: Uncertain significance. Last evaluated: 2016-08-18. Review status: criteria provided, single submitter. Criteria: ACMG Guidelines, 2015. Collection method: clinical testing. Allele origin: germline. Affected: no.

NM_014363.6(SACS):c.3868G>T (p.Ala1290Ser)

Gene: SACS (sacsin molecular chaperone; minus strand). Cytogenetic location: 13q12.12.
Variant type: single nucleotide variant.
Coding change: c.3868G>T on transcript NM_014363.6 (MANE Select); coding-DNA position 3868, G replaced by T.
Protein change: p.Ala1290Ser; replaces alanine 1290 with serine.
Molecular consequence: missense variant.
Genome position (GRCh38, 1-based): chr13:23,340,008, C>A on the plus strand (G>T on the coding strand, the complement: SACS is on the minus strand). VCF-style: chr13-23340008-C-A. GRCh37 (hg19) VCF-style: chr13-23914147-C-A.
Other names: c.3427G>T, p.Ala1143Ser (NM_001278055.2); short protein forms A1290S, A1143S.
Identifiers: ClinVar variation 311546 (VCV000311546.18), dbSNP rs757939935, ClinGen allele CA6911463.